The following is an entry in ClinVar:

ClinVar aggregate classification (germline): Likely pathogenic (1 of 4 stars; one submission).

Conditions:
Birt-Hogg-Dube syndrome. Also called: Birt Hogg Dubé syndrome. Identifiers: Orphanet 122, MedGen C0346010, MONDO:0800444.

Submission:

MGZ Medical Genetics Center
Classification: Likely pathogenic for Birt-Hogg-Dube syndrome 1. Last evaluated: 2022-06-21. Review status: criteria provided, single submitter. Criteria: ACMG Guidelines, 2015. Collection method: clinical testing. Allele origin: germline. Affected: yes. Observed: 1 variant allele.
Comment: ACMG criteria applied: PVS1, PM2_SUP

NM_144997.7(FLCN):c.1140_1153del (p.Asp380fs)

Gene: FLCN (folliculin; minus strand). Cytogenetic location: 17p11.2.
Variant type: Deletion.
Coding change: c.1140_1153del on transcript NM_144997.7 (MANE Select); coding-DNA positions 1140 to 1153, 14 bases deleted (CGTGGACCTCGTCC).
Protein change: p.Asp380fs; shifts the reading frame from aspartic acid 380.
Molecular consequence: frameshift variant.
Genome position (GRCh38, 1-based): chr17:17,217,092-17,217,105, GGACGAGGTCCACG deleted on the plus strand (CGTGGACCTCGTCC on the coding strand, the reverse complement: FLCN is on the minus strand). VCF-style (leftmost placement, unchanged base first): chr17-17217091-TGGACGAGGTCCACG-T. GRCh37 (hg19) VCF-style: chr17-17120405-TGGACGAGGTCCACG-T.
Other names: c.1194_1207del, p.Asp398fs (NM_001353229.2); c.1140_1153del, p.Asp380fs (NM_001353230.2, NM_001353231.2); short protein forms D380fs, D398fs.
Identifiers: ClinVar variation 1709614 (VCV001709614.2), dbSNP rs2544172442, ClinGen allele CA2580092728.